The following is an entry in ClinVar:

NM_000059.4(BRCA2):c.5112_5119delinsG (p.Ile1705fs)

Gene: BRCA2 (BRCA2 DNA repair associated; plus strand). Cytogenetic location: 13q13.1.
Variant type: Indel.
Coding change: c.5112_5119delinsG on transcript NM_000059.4 (MANE Select); coding-DNA positions 5112 to 5119, AATAAATA replaced by G.
Protein change: p.Ile1705fs; shifts the reading frame from isoleucine 1705.
Molecular consequence: frameshift variant. On other transcripts: non-coding transcript variant (1), intron variant (2).
Genome position (GRCh38, 1-based): chr13:32,339,467-32,339,474, AATAAATA replaced by G. VCF-style: chr13-32339467-AATAAATA-G. GRCh37 (hg19) VCF-style: chr13-32913604-AATAAATA-G.
Other names: c.5112_5119delAATAAATAinsG, p.Ile1705Leufs (NM_000059.3); c.5112_5119delinsG, p.Ile1705fs (NM_001406719.1, NM_001406720.1, NM_001432077.1); c.1910-5091_1910-5084delinsG (NM_001406721.1); c.425-5091_425-5084delinsG (NM_001406722.1); short protein forms I1705fs.
Identifiers: ClinVar variation 4279520 (VCV004279520.1).

ClinVar aggregate classification (germline): Pathogenic (1 of 4 stars; one submission).

Conditions:
BRCA2-related cancer predisposition. Identifiers: MedGen CN377758, MONDO:0700269.

Submission:

Clinical and Functional Genomics Group, A.C.Camargo Cancer Center
Classification: Pathogenic for BRCA2-related cancer predisposition. Last evaluated: 2025-09-03. Review status: criteria provided, single submitter. Criteria: CFGG ACC Assertion Criteria V1. Collection method: research. Allele origin: germline. Affected: yes.
Comment: The c.5112_5119delinsG (p.Ile1705Leufs*5) variant in the BRCA2 gene introduces a premature stop codon in exon 11, predicted to result in nonsense-mediated mRNA decay (NMD). Loss-of-function is an established mechanism of pathogenicity for the BRCA2 gene (PMID: 20104584). To our knowledge, no functional studies have been performed to assess the impact of this variant on protein function. This variant is absent from gnomAD and has been described in a patient with breast cancer and chondrosarcoma (PMID: 37536918). Based on the current evidence and the recommended guidelines from BRCA2 VCEP, this variant has been classified as pathogenic (PVS1, PM5_Strong(PTC)).

Literature cited by the submitters: PubMed 37536918.